The following is an entry in ClinVar:

ClinVar aggregate classification (germline): Pathogenic (1 of 4 stars; one submission).

Submission:

Labcorp Genetics (formerly Invitae), Labcorp
Classification: Pathogenic. Last evaluated: 2024-08-21. Review status: criteria provided, single submitter. Criteria: Invitae Variant Classification Sherloc (09022015). Collection method: clinical testing. Allele origin: germline.
Comment: This sequence change creates a premature translational stop signal (p.Ser1351Cysfs*22) in the RUSC2 gene. It is expected to result in an absent or disrupted protein product. Loss-of-function variants in RUSC2 are known to be pathogenic (PMID: 27612186). This variant is not present in population databases (gnomAD no frequency). This variant has not been reported in the literature in individuals affected with RUSC2-related conditions. For these reasons, this variant has been classified as Pathogenic.

Literature cited by the submitters: PubMed 27612186.

NM_014806.5(RUSC2):c.4052_4053del (p.Ser1351fs)

Gene: RUSC2 (RUN and SH3 domain containing 2; plus strand). Cytogenetic location: 9p13.3.
Variant type: Microsatellite.
Coding change: c.4052_4053del on transcript NM_014806.5 (MANE Select); coding-DNA positions 4052 to 4053, 2 bases deleted (CT; older notation c.4052_4053delCT).
Protein change: p.Ser1351fs; shifts the reading frame from serine 1351.
Molecular consequence: frameshift variant. On other transcripts: non-coding transcript variant (1).
Genome position (GRCh38, 1-based): chr9:35,560,692-35,560,693, CT deleted; deleting any 2 consecutive bases within chr9:35,560,690-35,560,693 gives the same sequence; the c. name uses the placement nearest the transcript's 3' end. VCF-style (leftmost placement, unchanged base first): chr9-35560689-ACT-A. GRCh37 (hg19) VCF-style: chr9-35560686-ACT-A.
Other names: c.4052_4053del, p.Ser1351fs (NM_001135999.2); c.1418_1419del, p.Ser473fs (NM_001330740.2); short protein forms S473fs, S1351fs.
Identifiers: ClinVar variation 2097187 (VCV002097187.4), dbSNP rs2490418081, ClinGen allele CA1123195419.